The following is an entry in ClinVar:

NM_005413.4(SIX3):c.602G>A (p.Arg201His)

Gene: SIX3 (SIX homeobox 3; plus strand). Cytogenetic location: 2p21.
Variant type: single nucleotide variant.
Coding change: c.602G>A on transcript NM_005413.4 (MANE Select); coding-DNA position 602, G replaced by A.
Protein change: p.Arg201His; replaces arginine 201 with histidine.
Molecular consequence: missense variant.
Genome position (GRCh38, 1-based): chr2:44,942,706, G>A. VCF-style: chr2-44942706-G-A. GRCh37 (hg19) VCF-style: chr2-45169845-G-A.
Other names: short protein forms R201H.
Identifiers: ClinVar variation 546202 (VCV000546202.7), dbSNP rs1553337714, ClinGen allele CA346799948.

ClinVar aggregate classification (germline): Uncertain significance. Review status: criteria provided, multiple submitters, no conflicts (2 of 4 stars). 3 submissions from 3 submitters: Uncertain significance (3). Last evaluated 2026-07-20.

Conditions:
Holoprosencephaly 2 (HPE2). Identifiers: Orphanet 2162, MedGen C1834877, MONDO:0007999, OMIM 157170.
Inborn genetic diseases. Identifiers: MedGen C0950123, MeSH D030342.

Allele frequency attached by ClinVar (database versions not stated): gnomAD exomes below 0.00001.

Submissions (3):

Ambry Genetics
Classification: Uncertain significance for Inborn genetic diseases. Last evaluated: 2026-07-20. Review status: criteria provided, single submitter. Criteria: Ambry Variant Classification Scheme 2023. Collection method: clinical testing. Allele origin: germline.

Labcorp Genetics (formerly Invitae), Labcorp
Classification: Uncertain significance for Holoprosencephaly 2. Last evaluated: 2024-12-23. Review status: criteria provided, single submitter. Criteria: Invitae Variant Classification Sherloc (09022015). Collection method: clinical testing. Allele origin: germline.
Comment: This sequence change replaces arginine, which is basic and polar, with histidine, which is basic and polar, at codon 201 of the SIX3 protein (p.Arg201His). This variant is not present in population databases (gnomAD no frequency). This variant has not been reported in the literature in individuals affected with SIX3-related conditions. ClinVar contains an entry for this variant (Variation ID: 546202). Invitae Evidence Modeling of protein sequence and biophysical properties (such as structural, functional, and spatial information, amino acid conservation, physicochemical variation, residue mobility, and thermodynamic stability) indicates that this missense variant is not expected to disrupt SIX3 protein function with a negative predictive value of 80%. In summary, the available evidence is currently insufficient to determine the role of this variant in disease. Therefore, it has been classified as a Variant of Uncertain Significance.

GeneDx
Classification: Uncertain significance. Last evaluated: 2018-05-15. Review status: criteria provided, single submitter. Criteria: GeneDx Variant Classification (06012015). Collection method: clinical testing. Allele origin: germline. Affected: yes.
Comment: The R201H variant in the SIX3 gene has not been reported previously as a pathogenic variant, nor as a benign variant, to our knowledge. The R201H variant is not observed in large population cohorts (Lek et al., 2016). The R201H variant is a conservative amino acid substitution, which is not likely to impact secondary protein structure as these residues share similar properties. However, in-silico analyses, including protein predictors and evolutionary conservation, support a deleterious effect. We interpret R201H as a variant of uncertain significance.